The following is an entry in ClinVar:

ClinVar aggregate classification (germline): Pathogenic. Review status: criteria provided, multiple submitters, no conflicts (2 of 4 stars). 2 submissions from 2 submitters: Pathogenic (2). Last evaluated 2024-06-06.

Conditions:
Duchenne muscular dystrophy (DMD). Also called: Duchenne Muscular Dystrophy (DMD); MUSCULAR DYSTROPHY, PSEUDOHYPERTROPHIC PROGRESSIVE, DUCHENNE TYPE. Identifiers: Orphanet 98896, MedGen C0013264, MONDO:0010679, OMIM 310200.

Submissions (2):

Labcorp Genetics (formerly Invitae), Labcorp
Classification: Pathogenic for Duchenne muscular dystrophy. Last evaluated: 2024-06-06. Review status: criteria provided, single submitter. Criteria: Invitae Variant Classification Sherloc (09022015). Collection method: clinical testing. Allele origin: germline.
Comment: This sequence change creates a premature translational stop signal (p.Gln2397*) in the DMD gene. It is expected to result in an absent or disrupted protein product. Loss-of-function variants in DMD are known to be pathogenic (PMID: 16770791, 25007885). This variant is not present in population databases (gnomAD no frequency). This variant has not been reported in the literature in individuals affected with DMD-related conditions. ClinVar contains an entry for this variant (Variation ID: 94758). For these reasons, this variant has been classified as Pathogenic.

Eurofins Ntd Llc (ga)
Classification: Pathogenic. Last evaluated: 2013-09-12. Review status: criteria provided, single submitter. Criteria: EGL Classification Definitions 2015. Collection method: clinical testing. Allele origin: germline. Observed: 2 variant alleles, 2 hemizygotes.

Literature cited by the submitters: PubMed 16770791 (cited by Labcorp Genetics (formerly Invitae), Labcorp); PubMed 25007885 (cited by Labcorp Genetics (formerly Invitae), Labcorp).

NM_004006.3(DMD):c.7189C>T (p.Gln2397Ter)

Gene: DMD (dystrophin; minus strand). Cytogenetic location: Xp21.1.
Variant type: single nucleotide variant.
Coding change: c.7189C>T on transcript NM_004006.3 (MANE Select); coding-DNA position 7189, C replaced by T.
Protein change: p.Gln2397Ter; replaces glutamine 2397 with a stop codon.
Molecular consequence: nonsense. On other transcripts: 5 prime UTR variant (5).
Genome position (GRCh38, 1-based): chrX:31,836,729, G>A on the plus strand (C>T on the coding strand, the complement: DMD is on the minus strand). VCF-style: chrX-31836729-G-A. GRCh37 (hg19) VCF-style: chrX-31854846-G-A.
Other names: NP_003997.1:p.Gln2397*; c.7165C>T, p.Gln2389Ter (NM_000109.4); c.7177C>T, p.Gln2393Ter (NM_004009.3); c.6820C>T, p.Gln2274Ter (NM_004010.3); c.3166C>T, p.Gln1056Ter (NM_004011.4); c.3157C>T, p.Gln1053Ter (NM_004012.4); c.-192C>T (NM_004013.3, NM_004020.4, NM_004021.3 and 2 more transcripts); short protein forms Q2397*, Q1053*, Q2393*, Q1056*, Q2389*, Q2274*.
Identifiers: ClinVar variation 94758 (VCV000094758.7), dbSNP rs398124042, ClinGen allele CA267127.